The following is an entry in ClinVar:

ClinVar aggregate classification (germline): Uncertain significance. Review status: criteria provided, multiple submitters, no conflicts (2 of 4 stars). 2 submissions from 2 submitters: Uncertain significance (2). Last evaluated 2025-04-17.

Conditions:
Charcot-Marie-Tooth disease type 2. Also called: Charcot-Marie-Tooth type 2. Identifiers: Orphanet 64746, MedGen C0270914, MONDO:0018993.

Allele frequency attached by ClinVar (database versions not stated): gnomAD 0.00001; gnomAD exomes 0.00002 and below 0.00001; TOPMed 0.00003.
gnomAD v4.1: 29 of 1,613,498 alleles (0.0018%); highest among the groups gnomAD compares: Non-Finnish European, 0.0024%; no homozygotes.

Submissions (2):

Labcorp Genetics (formerly Invitae), Labcorp
Classification: Uncertain significance for Charcot-Marie-Tooth disease type 2. Last evaluated: 2025-04-17. Review status: criteria provided, single submitter. Criteria: Invitae Variant Classification Sherloc (09022015). Collection method: clinical testing. Allele origin: germline.
Comment: This sequence change replaces tyrosine, which is neutral and polar, with cysteine, which is neutral and slightly polar, at codon 134 of the GARS protein (p.Tyr134Cys). This variant is present in population databases (no rsID available, gnomAD 0.004%). This variant has not been reported in the literature in individuals affected with GARS-related conditions. ClinVar contains an entry for this variant (Variation ID: 657658). Invitae Evidence Modeling of protein sequence and biophysical properties (such as structural, functional, and spatial information, amino acid conservation, physicochemical variation, residue mobility, and thermodynamic stability) has been performed for this missense variant. However, the output from this modeling did not meet the statistical confidence thresholds required to predict the impact of this variant on GARS protein function. In summary, the available evidence is currently insufficient to determine the role of this variant in disease. Therefore, it has been classified as a Variant of Uncertain Significance.

Athena Diagnostics
Classification: Uncertain significance. Last evaluated: 2021-08-31. Review status: criteria provided, single submitter. Criteria: Athena Diagnostics Criteria. Collection method: clinical testing. Allele origin: unknown.

NM_002047.4(GARS1):c.401A>G (p.Tyr134Cys)

Gene: GARS1 (glycyl-tRNA synthetase 1; plus strand). Cytogenetic location: 7p14.3.
Variant type: single nucleotide variant.
Coding change: c.401A>G on transcript NM_002047.4 (MANE Select); coding-DNA position 401, A replaced by G.
Protein change: p.Tyr134Cys; replaces tyrosine 134 with cysteine.
Molecular consequence: missense variant.
Genome position (GRCh38, 1-based): chr7:30,600,023, A>G. VCF-style: chr7-30600023-A-G. GRCh37 (hg19) VCF-style: chr7-30639639-A-G.
Other names: c.401A>G (LRG_243t1); c.239A>G, p.Tyr80Cys (NM_001316772.1); short protein forms Y134C, Y80C.
Identifiers: ClinVar variation 657658 (VCV000657658.13), dbSNP rs898879117, ClinGen allele CA156099497.